The following is an entry in ClinVar:

NM_001267550.2(TTN):c.97378A>G (p.Lys32460Glu)

Genes: TTN (titin; minus strand), TTN-AS1 (TTN antisense RNA 1; plus strand). Cytogenetic location: 2q31.2.
Variant type: single nucleotide variant.
Coding change: c.97378A>G on transcript NM_001267550.2 (MANE Select); coding-DNA position 97378, A replaced by G.
Protein change: p.Lys32460Glu; replaces lysine 32460 with glutamic acid.
Molecular consequence: missense variant.
Genome position (GRCh38, 1-based): chr2:178,542,378, T>C on the plus strand (A>G on the coding strand, the complement: TTN is on the minus strand). VCF-style: chr2-178542378-T-C. GRCh37 (hg19) VCF-style: chr2-179407105-T-C.
Other names: c.92455A>G, p.Lys30819Glu (NM_001256850.1); c.70183A>G, p.Lys23395Glu (NM_003319.4); c.89674A>G, p.Lys29892Glu (NM_133378.4); c.70558A>G, p.Lys23520Glu (NM_133432.3); c.70759A>G, p.Lys23587Glu (NM_133437.4); short protein forms K32460E, K23587E, K30819E, K23395E, K29892E, K23520E.
Identifiers: ClinVar variation 535334 (VCV000535334.10), dbSNP rs965156924, ClinGen allele CA60968674.

ClinVar aggregate classification (germline): Uncertain significance. Review status: criteria provided, multiple submitters, no conflicts (2 of 4 stars). 5 submissions from 5 submitters: Uncertain significance (5). Last evaluated 2026-04-10.

Conditions:
Cardiovascular phenotype. Identifiers: MedGen CN230736.
Autosomal recessive limb-girdle muscular dystrophy type 2J (LGMDR10). Also called: Limb-girdle muscular dystrophy, type 2J; MUSCULAR DYSTROPHY, LIMB-GIRDLE, AUTOSOMAL RECESSIVE 10. Identifiers: Orphanet 140922, MedGen C1837342, MONDO:0012127, OMIM 608807.
Dilated cardiomyopathy 1G (CMD1G). Identifiers: Orphanet 154, MedGen C1858763, MONDO:0011400, OMIM 604145.
Hypertrophic cardiomyopathy 9. Also called: Familial hypertrophic cardiomyopathy 9. Identifiers: MedGen C1861065, MONDO:0013412, OMIM 613765.
Tibial muscular dystrophy (TMD). Also called: UDD MYOPATHY; Udd Distal Myopathy – Tibial Muscular Dystrophy; Tibial muscular dystrophy, tardive. Identifiers: Orphanet 609, MedGen C1838244, MONDO:0010870, OMIM 600334.
Early-onset myopathy with fatal cardiomyopathy (CMYO5). Also called: CONGENITAL MYOPATHY 5 WITH CARDIOMYOPATHY; Salih Myopathy. Identifiers: Orphanet 289377, MedGen C2673677, MONDO:0012714, OMIM 611705. Disease mechanism: loss of function.
Myopathy, myofibrillar, 9, with early respiratory failure (MFM9). Also called: EDSTROM MYOPATHY; MYOPATHY, PROXIMAL, WITH EARLY RESPIRATORY MUSCLE INVOLVEMENT; Hereditary myopathy with early respiratory failure; Myopathy, distal, with early respiratory failure, autosomal dominant. Identifiers: Orphanet 178464, Orphanet 34521, MedGen C1863599, MONDO:0011362, OMIM 603689.

Allele frequency attached by ClinVar (database versions not stated): TOPMed 0.00003; gnomAD 0.00005.
gnomAD v4.1: 7 of 1,613,534 alleles (0.00043%); highest among the groups gnomAD compares: African/African-American, 0.0093%; no homozygotes.

Submissions (5):

Women's Health and Genetics/Laboratory Corporation of America, LabCorp
Classification: Uncertain significance. Last evaluated: 2026-04-10. Review status: criteria provided, single submitter. Criteria: LabCorp Variant Classification Summary - May 2015. Collection method: clinical testing. Allele origin: germline.

Revvity Omics, Revvity
Classification: Uncertain significance. Last evaluated: 2022-02-12. Review status: criteria provided, single submitter. Criteria: ACMG Guidelines, 2015. Collection method: clinical testing. Allele origin: germline.

Fulgent Genetics
Classification: Uncertain significance for Tibial muscular dystrophy; Myopathy, myofibrillar, 9, with early respiratory failure; Dilated cardiomyopathy 1G; Autosomal recessive limb-girdle muscular dystrophy type 2J; Early-onset myopathy with fatal cardiomyopathy; Hypertrophic cardiomyopathy 9. Last evaluated: 2022-01-24. Review status: criteria provided, single submitter. Criteria: ACMG Guidelines, 2015. Collection method: clinical testing. Allele origin: unknown.

Ambry Genetics
Classification: Uncertain significance for Cardiovascular phenotype. Last evaluated: 2019-11-20. Review status: criteria provided, single submitter. Criteria: Ambry Variant Classification Scheme 2023. Collection method: clinical testing. Allele origin: germline.
Comment: The p.K23395E variant (also known as c.70183A>G), located in coding exon 176 of the TTN gene, results from an A to G substitution at nucleotide position 70183. The lysine at codon 23395 is replaced by glutamic acid, an amino acid with similar properties. This amino acid position is highly conserved in available vertebrate species. In addition, this alteration is predicted to be tolerated by in silico analysis. Since supporting evidence is limited at this time, the clinical significance of this alteration remains unclear.

Labcorp Genetics (formerly Invitae), Labcorp
Classification: Uncertain significance for Dilated cardiomyopathy 1G; Autosomal recessive limb-girdle muscular dystrophy type 2J. Last evaluated: 2018-01-02. Review status: criteria provided, single submitter. Criteria: Invitae Variant Classification Sherloc (09022015). Collection method: clinical testing. Allele origin: germline.